The following is an entry in ClinVar:

ClinVar aggregate classification (germline): Uncertain significance. Review status: criteria provided, multiple submitters, no conflicts (2 of 4 stars). 2 submissions from 2 submitters: Uncertain significance (2). Last evaluated 2025-01-27.

Conditions:
Inborn genetic diseases. Identifiers: MedGen C0950123, MeSH D030342.

Allele frequency attached by ClinVar (database versions not stated): gnomAD exomes below 0.00001 and 0.00001; ExAC 0.00001; TOPMed 0.00001.
gnomAD v4.1: 4 of 1,210,314 alleles (0.00033%); highest among the groups gnomAD compares: Non-Finnish European, 0.00034%; no homozygotes.

Submissions (2):

Ambry Genetics
Classification: Uncertain significance for Inborn genetic diseases. Last evaluated: 2025-01-27. Review status: criteria provided, single submitter. Criteria: Ambry Variant Classification Scheme 2023. Collection method: clinical testing. Allele origin: germline.

GeneDx
Classification: Uncertain significance. Last evaluated: 2017-07-26. Review status: criteria provided, single submitter. Criteria: GeneDx Variant Classification (06012015). Collection method: clinical testing. Allele origin: germline. Affected: yes.
Comment: The D599N variant in the DLG3 gene has not been reported previously as a pathogenic variant, nor as a benign variant, to our knowledge. This variant is not observed in large population cohorts (Lek et al., 2016; 1000 Genomes Consortium et al., 2015; Exome Variant Server). The D599N variant is a semi-conservative amino acid substitution, which may impact secondary protein structure as these residues differ in some properties. This substitution occurs at a position that is conserved across species. In silico analysis is inconsistent in its predictions as to whether or not the variant is damaging to the protein structure/function. We interpret D599N as a variant of uncertain significance.

NM_021120.4(DLG3):c.1795G>A (p.Asp599Asn)

Gene: DLG3 (discs large MAGUK scaffold protein 3; plus strand). Cytogenetic location: Xq13.1.
Variant type: single nucleotide variant.
Coding change: c.1795G>A on transcript NM_021120.4 (MANE Select); coding-DNA position 1795, G replaced by A.
Protein change: p.Asp599Asn; replaces aspartic acid 599 with asparagine.
Molecular consequence: missense variant. On other transcripts: intron variant (2).
Genome position (GRCh38, 1-based): chrX:70,495,429, G>A. VCF-style: chrX-70495429-G-A. GRCh37 (hg19) VCF-style: chrX-69715279-G-A.
Other names: c.863-1751G>A (NM_020730.3); c.425-1751G>A (NM_001166278.2); c.1795G>A (NM_021120.3); short protein forms D599N.
Identifiers: ClinVar variation 450713 (VCV000450713.3), dbSNP rs747352979, ClinGen allele CA10442264.